The following is an entry in ClinVar:

NM_001001331.4(ATP2B2):c.919G>A (p.Gly307Arg)

Gene: ATP2B2 (ATPase plasma membrane Ca2+ transporting 2; minus strand). Cytogenetic location: 3p25.3.
Variant type: single nucleotide variant.
Coding change: c.919G>A on transcript NM_001001331.4 (MANE Select); coding-DNA position 919, G replaced by A.
Protein change: p.Gly307Arg; replaces glycine 307 with arginine.
Molecular consequence: missense variant. On other transcripts: intron variant (4).
Genome position (GRCh38, 1-based): chr3:10,386,501, C>T on the plus strand (G>A on the coding strand, the complement: ATP2B2 is on the minus strand). VCF-style: chr3-10386501-C-T. GRCh37 (hg19) VCF-style: chr3-10428185-C-T.
Other names: c.907+1776G>A (NM_001353564.1, NM_001683.5, NM_001330611.3 and 1 more transcripts); short protein forms G307R.
Identifiers: ClinVar variation 2431487 (VCV002431487.2), dbSNP rs2061684217, ClinGen allele CA351786123.

ClinVar aggregate classification (germline): Uncertain significance (1 of 4 stars; one submission).

Conditions:
Hearing loss, autosomal dominant 82. Also called: Deafness, autosomal dominant 82. Identifiers: MedGen C5676948, MONDO:0030719, OMIM 619804.

Allele frequency attached by ClinVar (database versions not stated): gnomAD exomes below 0.00001.
gnomAD v4.1: 1 of 1,614,194 alleles (0.000062%); highest among the groups gnomAD compares: Non-Finnish European, 0.000085%; no homozygotes.

Submission:

Laboratorio de Genetica e Diagnostico Molecular, Hospital Israelita Albert Einstein
Classification: Uncertain significance for Hearing loss, autosomal dominant 82. Last evaluated: 2022-11-11. Review status: criteria provided, single submitter. Criteria: ACMG Guidelines, 2015. Collection method: clinical testing. Allele origin: germline. Affected: yes.
Comment: ACMG classification criteria: PM2 moderated, PP2 supporting, BP4 supporting